The following is an entry in ClinVar:

ClinVar aggregate classification (germline): Likely benign. Review status: criteria provided, single submitter (1 of 4 stars). 2 submissions from 2 submitters: Likely benign (1). 1 of the submissions does not count toward it. Last evaluated 2025-09-27.

Conditions:
Familial focal epilepsy with variable foci (FPEVF). Identifiers: Orphanet 98820, MedGen C1858477, MONDO:0020310.
DEPDC5-related disorder. Also called: DEPDC5-related condition; DEPDC5-related related disorder.

Allele frequency attached by ClinVar (database versions not stated): gnomAD exomes below 0.00001; TOPMed below 0.00001; ExAC 0.00001.
gnomAD v4.1: 2 of 1,614,080 alleles (0.00012%); highest among the groups gnomAD compares: Admixed American, 0.0017%; no homozygotes.

Submissions (2):

Labcorp Genetics (formerly Invitae), Labcorp
Classification: Likely benign for Familial focal epilepsy with variable foci. Last evaluated: 2025-09-27. Review status: criteria provided, single submitter. Criteria: Invitae Variant Classification Sherloc (09022015). Collection method: clinical testing. Allele origin: germline.

PreventionGenetics, part of Exact Sciences
Classification: Likely benign for DEPDC5-related condition. Last evaluated: 2021-08-04. Review status: no assertion criteria provided. Collection method: clinical testing. Allele origin: germline. Not counted in ClinVar's aggregate classification.
Comment: This variant is classified as likely benign based on ACMG/AMP sequence variant interpretation guidelines (Richards et al. 2015 PMID: 25741868, with internal and published modifications).

NM_001242896.3(DEPDC5):c.414-7C>T

Gene: DEPDC5 (DEP domain containing 5, GATOR1 subcomplex subunit; plus strand). Cytogenetic location: 22q12.2.
Variant type: single nucleotide variant.
Coding change: c.414-7C>T on transcript NM_001242896.3 (MANE Select); 7 bases into the intron before coding-DNA position 414, C replaced by T.
Molecular consequence: intron variant.
Genome position (GRCh38, 1-based): chr22:31,778,092, C>T. VCF-style: chr22-31778092-C-T. GRCh37 (hg19) VCF-style: chr22-32174078-C-T.
Other names: c.414-7C>T (NM_001242896.1, NM_001364318.2, NM_001136029.4 and 8 more transcripts); c.330-7C>T (NM_001369902.1, NM_001369901.1).
Identifiers: ClinVar variation 2716513 (VCV002716513.5), dbSNP rs773683388, ClinGen allele CA10195970.